The following is an entry in ClinVar:

NM_002474.3(MYH11):c.5196C>T (p.Arg1732=)

Genes: NDE1 (nudE neurodevelopment protein 1; plus strand), MYH11 (myosin heavy chain 11; minus strand). Cytogenetic location: 16p13.11.
Variant type: single nucleotide variant.
Coding change: c.5196C>T on transcript NM_002474.3 (MANE Select); coding-DNA position 5196, C replaced by T.
Protein change: p.Arg1732=; no amino-acid change (arginine 1732 retained).
Molecular consequence: synonymous variant. On other transcripts: intron variant (2).
Genome position (GRCh38, 1-based): chr16:15,718,414, G>A on the plus strand (C>T on the coding strand, the complement: MYH11 is on the minus strand). VCF-style: chr16-15718414-G-A. GRCh37 (hg19) VCF-style: chr16-15812271-G-A.
Other names: c.5196C>T, p.Arg1732= (NM_022844.3); c.948-5777G>A (NM_001143979.2, NM_017668.3); c.5217C>T, p.Arg1739= (NM_001040113.2, NM_001040114.2).
Identifiers: ClinVar variation 1171135 (VCV001171135.8), dbSNP rs970185342, ClinGen allele CA278596160.

ClinVar aggregate classification (germline): Likely benign. Review status: criteria provided, multiple submitters, no conflicts (2 of 4 stars). 4 submissions from 4 submitters: Likely benign (4). Last evaluated 2024-09-23.

Conditions:
Aortic aneurysm, familial thoracic 4 (AAT4). Also called: AORTIC ANEURYSM/AORTIC DISSECTION AND PATENT DUCTUS ARTERIOSUS. Identifiers: MedGen C1851504, MONDO:0007568, OMIM 132900.
Familial thoracic aortic aneurysm and aortic dissection (TAAD). Also called: Thoracic aortic aneurysms and dissections. Identifiers: Orphanet 91387, MedGen C4707243, MONDO:0019625.

Allele frequency attached by ClinVar (database versions not stated): gnomAD exomes below 0.00001; gnomAD 0.00001; TOPMed 0.00001.
gnomAD v4.1: 3 of 1,584,354 alleles (0.00019%); highest among the groups gnomAD compares: African/African-American, 0.004%; no homozygotes.

Submissions (4):

All of Us Research Program, National Institutes of Health
Classification: Likely benign for Familial thoracic aortic aneurysm and aortic dissection. Last evaluated: 2024-09-23. Review status: criteria provided, single submitter. Criteria: ACMG Guidelines, 2015. Collection method: clinical testing. Allele origin: germline. Inheritance: Autosomal dominant inheritance. Observed: 1 variant allele, 1 heterozygote.
Comment: This study involves interpretation of variants in research participants for the purpose of population health screening. Participant phenotype was not available at the time of variant classification. Additional details can be found in publication PMID: 35346344, PMCID: PMC8962531

Labcorp Genetics (formerly Invitae), Labcorp
Classification: Likely benign for Aortic aneurysm, familial thoracic 4. Last evaluated: 2024-06-08. Review status: criteria provided, single submitter. Criteria: Invitae Variant Classification Sherloc (09022015). Collection method: clinical testing. Allele origin: germline.

Color Diagnostics, LLC DBA Color Health
Classification: Likely benign for Familial thoracic aortic aneurysm and aortic dissection. Last evaluated: 2020-10-13. Review status: criteria provided, single submitter. Criteria: ACMG Guidelines, 2015. Collection method: clinical testing. Allele origin: germline.

Ambry Genetics
Classification: Likely benign for Familial thoracic aortic aneurysm and aortic dissection. Last evaluated: 2020-09-13. Review status: criteria provided, single submitter. Criteria: Ambry Variant Classification Scheme 2023. Collection method: clinical testing. Allele origin: germline.